The following is an entry in ClinVar:

NM_000642.3(AGL):c.3578C>T (p.Ala1193Val)

Gene: AGL (amylo-alpha-1,6-glucosidase and 4-alpha-glucanotransferase; plus strand). Cytogenetic location: 1p21.2.
Variant type: single nucleotide variant.
Coding change: c.3578C>T on transcript NM_000642.3 (MANE Select); coding-DNA position 3578, C replaced by T.
Protein change: p.Ala1193Val; replaces alanine 1193 with valine.
Molecular consequence: missense variant.
Genome position (GRCh38, 1-based): chr1:99,900,851, C>T. VCF-style: chr1-99900851-C-T. GRCh37 (hg19) VCF-style: chr1-100366407-C-T.
Other names: c.3578C>T, p.Ala1193Val (NM_000028.3, NM_000643.3, NM_000644.3 and 1 more transcripts); c.3530C>T, p.Ala1177Val (NM_000646.3); c.3557C>T, p.Ala1186Val (NM_001425326.1); c.3377C>T, p.Ala1126Val (NM_001425327.1); c.3374C>T, p.Ala1125Val (NM_001425328.1); c.3239C>T, p.Ala1080Val (NM_001425329.1); c.3200C>T, p.Ala1067Val (NM_001425332.1); short protein forms A1193V, A1177V, A1067V, A1080V, A1125V, A1126V, A1186V.
Identifiers: ClinVar variation 2082333 (VCV002082333.1), dbSNP rs1255480131, ClinGen allele CA341332942.

ClinVar aggregate classification (germline): Uncertain significance (1 of 4 stars; one submission).

Conditions:
Glycogen storage disease type III (GSD3). Also called: Cori disease; FORBES DISEASE. Identifiers: Orphanet 366, MedGen C0017922, MONDO:0009291, OMIM 232400.

Allele frequency attached by ClinVar (database versions not stated): gnomAD exomes below 0.00001.
gnomAD v4.1: 5 of 1,604,386 alleles (0.00031%); highest among the groups gnomAD compares: African/African-American, 0.0013%; no homozygotes.

Submission:

Labcorp Genetics (formerly Invitae), Labcorp
Classification: Uncertain significance for Glycogen storage disease type III. Last evaluated: 2021-09-17. Review status: criteria provided, single submitter. Criteria: Invitae Variant Classification Sherloc (09022015). Collection method: clinical testing. Allele origin: germline.
Comment: This sequence change replaces alanine with valine at codon 1193 of the AGL protein (p.Ala1193Val). The alanine residue is weakly conserved and there is a small physicochemical difference between alanine and valine. This variant is not present in population databases (ExAC no frequency). This variant has not been reported in the literature in individuals with AGL-related conditions. Algorithms developed to predict the effect of missense changes on protein structure and function (SIFT, PolyPhen-2, Align-GVGD) all suggest that this variant is likely to be tolerated, but these predictions have not been confirmed by published functional studies and their clinical significance is uncertain. In summary, the available evidence is currently insufficient to determine the role of this variant in disease. Therefore, it has been classified as a Variant of Uncertain Significance.